The following is an entry in ClinVar:

NM_016648.4(LARP7):c.1653_1654del (p.Gly553fs)

Gene: LARP7 (La ribonucleoprotein 7, transcriptional regulator; plus strand). Cytogenetic location: 4q25.
Variant type: Deletion.
Coding change: c.1653_1654del on transcript NM_016648.4 (MANE Select); coding-DNA positions 1653 to 1654, 2 bases deleted (AA; older notation c.1653_1654delAA).
Protein change: p.Gly553fs; shifts the reading frame from glycine 553.
Molecular consequence: frameshift variant.
Genome position (GRCh38, 1-based): chr4:112,654,144-112,654,145, AA deleted; deleting any 2 consecutive bases within chr4:112,654,142-112,654,145 gives the same sequence; the c. name uses the placement nearest the transcript's 3' end. VCF-style (leftmost placement, unchanged base first): chr4-112654141-GAA-G. GRCh37 (hg19) VCF-style: chr4-113575297-GAA-G.
Other names: p.Gly553Hisfs*2; c.1653_1654del, p.Gly553fs (NM_001267039.4, NM_001370978.1, NM_015454.3); c.1692_1693del, p.Gly566fs (NM_001370974.1, NM_001370975.1); c.1689_1690del, p.Gly565fs (NM_001370976.1, NM_001370977.1); c.1650_1651del, p.Gly552fs (NM_001370979.1, NM_001370980.1); c.1416_1417del, p.Gly474fs (NM_001370981.1, NM_001370982.1); short protein forms G565fs, G553fs, G566fs, G474fs, G552fs.
Identifiers: ClinVar variation 4974783 (VCV004974783.1).
Genomic context (GRCh38, chr4:112,654,141, plus strand): 5'-AAGGTATTGGCAGAAGATTTTGGTTGATAGACAGGCAAAACTTAATCAGCCTCGGGAAAA[GAA>G]AAGAGGCACTGAAAAGGTAATTGATTCATTTTTGTTTTTTTAGACTAAACTTTCCTTGAA-3'

ClinVar aggregate classification (germline): Likely pathogenic (1 of 4 stars; one submission).

Conditions:
Microcephalic primordial dwarfism, Alazami type. Also called: FACIAL DYSMORPHISM, INTELLECTUAL DISABILITY, AND PRIMORDIAL DWARFISM; Alazami syndrome. Identifiers: Orphanet 319671, MedGen C3554439, MONDO:0014031, OMIM 615071.

Submission:

Breda Genetics srl
Classification: Likely pathogenic for Alazami syndrome. Last evaluated: 2020-10-12. Review status: criteria provided, single submitter. Criteria: ACMG Guidelines, 2015. Collection method: clinical testing. Allele origin: germline. Affected: no. Observed: 1 variant allele.
Comment: The frameshift is predicted to introduce a premature stop codon and result in loss of function through protein truncation or nonsense-mediated decay.